The following is an entry in ClinVar:

ClinVar aggregate classification (germline): Pathogenic/Likely pathogenic. Review status: criteria provided, multiple submitters, no conflicts (2 of 4 stars). 9 submissions from 8 submitters: Pathogenic (3); Likely pathogenic (3). 3 of the submissions do not count toward it. Last evaluated 2026-08-29.

Conditions:
Deficiency of mevalonate kinase. Also called: Mevalonate kinase deficiency. Identifiers: Orphanet 309025, MedGen C0342731, MONDO:0017708.
MVK-related disorder. Also called: MVK-related condition; MVK-related disorders. Identifiers: MedGen CN239294.
Hyperimmunoglobulin D with periodic fever (HIDS). Also called: HYPERIMMUNOGLOBULINEMIA D AND PERIODIC FEVER SYNDROME; Hyperimmunoglobulinemia D with periodic fever; Hyperimmunoglobulinemia D. Identifiers: Orphanet 343, MedGen C0398691, MONDO:0009849, OMIM 260920.
Mevalonic aciduria (MEVA). Identifiers: Orphanet 29, MedGen C1959626, MONDO:0012481, OMIM 610377.
Porokeratosis 3, disseminated superficial actinic type (POROK3). Also called: POROKERATOSIS, DISSEMINATED SUPERFICIAL ACTINIC, 1; POROKERATOSIS 3, MULTIPLE TYPES; POROKERATOSIS 3, MIBELLI TYPE. Identifiers: MedGen C1867981, MONDO:0008293, OMIM 175900.
Primary ciliary dyskinesia. Also called: Ciliary dyskinesia. Identifiers: Orphanet 244, MedGen C0008780, MONDO:0016575, HP:0012265.

Submissions (9):

GeneDx
Classification: Likely pathogenic. Last evaluated: 2026-08-29. Review status: criteria provided, single submitter. Criteria: GeneDx Variant Classification Process June 2021. Collection method: clinical testing. Allele origin: germline.
Comment: Frameshift variant predicted to result in protein truncation or nonsense mediated decay in a gene for which loss of function is a known mechanism of disease; This variant is associated with the following publications: (PMID: 22983302, 16835861, 31980526, 31589614, 24716072)

Department of Human Genetics, Hannover Medical School
Classification: Likely pathogenic for Primary Ciliary Dyskinesia. Last evaluated: 2026-04-01. Review status: criteria provided, single submitter. Criteria: ACMG Guidelines, 2015. Collection method: research. Allele origin: germline. Affected: no.
Comment: Classification performed by HerediClassify using the following criteria:['PM2_supporting: Variant occures does not occur as homozygous in gnomAD.', 'PVS1_protein_very_strong: Transcript ENST00000228510 is predicted to undergo NMD.']

Myriad Genetics, Inc.
Classification: Pathogenic for Deficiency of mevalonate kinase. Last evaluated: 2025-04-28. Review status: criteria provided, single submitter. Criteria: Myriad Autosomal Dominant, Autosomal Recessive and X-Linked Classification Criteria (2023). Collection method: clinical testing. Allele origin: unknown.
Comment: NM_000431.2(MVK):c.417dupC(G140Rfs*47) is a frameshift variant classified as pathogenic in the context of mevalonate kinase deficiency. G140Rfs*47 has been observed in cases with relevant disease (PMID: 16835861, 24716072, 22038276, 17138829). Relevant functional assessments of this variant are not available in the literature. G140Rfs*47 has been observed in referenced population frequency databases. In summary, NM_000431.2(MVK):c.417dupC(G140Rfs*47) is a frameshift variant in a gene where loss of function is a known mechanism of disease, is predicted to disrupt protein function, and has been observed more frequently in cases with the relevant disease than in healthy populations. Please note: this variant was assessed in the context of healthy population screening.

Labcorp Genetics (formerly Invitae), Labcorp
Classification: Pathogenic for Mevalonic aciduria; Hyperimmunoglobulin D with periodic fever; Porokeratosis 3, disseminated superficial actinic type. Last evaluated: 2024-08-31. Review status: criteria provided, single submitter. Criteria: Invitae Variant Classification Sherloc (09022015). Collection method: clinical testing. Allele origin: germline.
Comment: This sequence change creates a premature translational stop signal (p.Gly140Argfs*47) in the MVK gene. It is expected to result in an absent or disrupted protein product. Loss-of-function variants in MVK are known to be pathogenic (PMID: 16835861, 17105862, 23834120). The frequency data for this variant in the population databases is considered unreliable, as metrics indicate poor data quality at this position in the gnomAD database. This premature translational stop signal has been observed in individual(s) with mevalonate kinase deficiency or porokeratosis (PMID: 16835861, 22983302, 24716072). This variant is also known as c.417insC, c.417_418insC, and p.G140fs. ClinVar contains an entry for this variant (Variation ID: 39727). For these reasons, this variant has been classified as Pathogenic.

Fulgent Genetics
Classification: Pathogenic for Porokeratosis 3, disseminated superficial actinic type; Hyperimmunoglobulin D with periodic fever; Mevalonic aciduria. Last evaluated: 2024-05-24. Review status: criteria provided, single submitter. Criteria: ACMG Guidelines, 2015. Collection method: clinical testing. Allele origin: germline.

Blueprint Genetics
Classification: Likely pathogenic for MVK-related disorders. Last evaluated: 2024-03-04. Review status: criteria provided, single submitter. Criteria: ACMG Guidelines, 2015. Collection method: clinical testing. Allele origin: germline. Affected: yes. Observed: 2 variant alleles.

OMIM
Classification: Pathogenic for MEVALONIC ACIDURIA. Last evaluated: 2012-10-01. Review status: no assertion criteria provided. Collection method: literature only. Allele origin: germline. Not counted in ClinVar's aggregate classification.

OMIM
Classification: Pathogenic for POROKERATOSIS 3, DISSEMINATED SUPERFICIAL ACTINIC TYPE. Last evaluated: 2012-10-01. Review status: no assertion criteria provided. Collection method: literature only. Allele origin: germline. Not counted in ClinVar's aggregate classification.

Unité médicale des maladies autoinflammatoires, CHRU Montpellier
No classification provided. Condition: Hyperimmunoglobulin D with periodic fever. Review status: no classification provided. Collection method: not provided. Allele origin: unknown. Not counted in ClinVar's aggregate classification.
Comment: also involved in OMIM 25117

Literature cited by the submitters: PubMed 16835861 (cited by 3 submitters); PubMed 17138829 (cited by Myriad Genetics, Inc.); PubMed 22038276 (cited by Myriad Genetics, Inc.); PubMed 24716072 (cited by Myriad Genetics, Inc. and Labcorp Genetics (formerly Invitae), Labcorp); PubMed 17105862 (cited by Labcorp Genetics (formerly Invitae), Labcorp); PubMed 23834120 (cited by Labcorp Genetics (formerly Invitae), Labcorp); PubMed 22983302 (cited by Labcorp Genetics (formerly Invitae), Labcorp and OMIM).

NM_000431.4(MVK):c.417dup (p.Gly140fs)

Gene: MVK (mevalonate kinase; plus strand). Cytogenetic location: 12q24.11.
Variant type: Duplication.
Coding change: c.417dup on transcript NM_000431.4 (MANE Select); coding-DNA position 417, one base duplicated (C; older notation c.417dupC).
Protein change: p.Gly140fs; shifts the reading frame from glycine 140.
Molecular consequence: frameshift variant. On other transcripts: intron variant (1).
Genome position (GRCh38, 1-based): chr12:109,581,440, C duplicated; the last of 6 consecutive C bases (chr12:109,581,435-109,581,440); duplicating any one gives the same sequence. VCF-style (leftmost placement, unchanged base first): chr12-109581434-G-GC. GRCh37 (hg19) VCF-style: chr12-110019239-G-GC.
Other names: c.417dupC (NM_000431.2); c.417dup (LRG_156t1); c.417dup, p.Gly140fs (NM_001114185.3); c.371+1494dup (NM_001301182.2); short protein forms G140fs.
Identifiers: ClinVar variation 39727 (VCV000039727.12), dbSNP rs104895373, ClinGen allele CA130492.
Genomic context (GRCh38, chr12:109,581,434, plus strand): 5'-TCACACCCTGGTGTGTTTCAGGGCCCTGCCGAGCCTGGATATCGTAGTGTGGTCGGAGCT[G>GC]CCCCCCGGGGCGGGCTTGGGCTCCAGCGCCGCCTACTCGGTGTGTCTGGCAGCAGCCCTC-3'